The following is an entry in ClinVar:

ClinVar aggregate classification (germline): Pathogenic (1 of 4 stars; one submission).

Conditions:
Branchiootorenal syndrome 1. Also called: Branchio-Oto-Renal Syndrome 1. Identifiers: Orphanet 107, MedGen C4551702, MONDO:0007236, OMIM 113650.

Submission:

Institute of Rare Diseases, West China Hospital, Sichuan University
Classification: Pathogenic for Branchiootorenal syndrome 1. Last evaluated: 2025-01-09. Review status: criteria provided, single submitter. Criteria: ClinGen HL ACMG Specifications v1. Collection method: research. Allele origin: germline. Affected: yes.
Comment: PVS1;PP1;PM2_Supporting

NM_000503.6(EYA1):c.1360+1G>A

Gene: EYA1 (EYA transcriptional coactivator and phosphatase 1; minus strand). Cytogenetic location: 8q13.3.
Variant type: single nucleotide variant.
Coding change: c.1360+1G>A on transcript NM_000503.6 (MANE Select); the canonical splice donor site of the intron after coding-DNA position 1360, G replaced by A.
Molecular consequence: splice donor variant.
Genome position (GRCh38, 1-based): chr8:71,216,691, C>T on the plus strand (G>A on the coding strand, the complement: EYA1 is on the minus strand). VCF-style: chr8-71216691-C-T. GRCh37 (hg19) VCF-style: chr8-72128926-C-T.
Other names: c.1339+1G>A (NM_001370336.1); c.1447+1G>A (NM_001370333.1); c.1360+1G>A (NM_001370335.1, NM_001370334.1, NM_172058.4); c.1342+1G>A (NM_172059.5, NM_001288574.2); c.1261+1G>A (NM_001411797.1, NM_172060.4); c.994+1G>A (NM_001288575.2).
Identifiers: ClinVar variation 3601097 (VCV003601097.1).